The following is an entry in ClinVar:

NM_002291.3(LAMB1):c.3639C>T (p.Ile1213=)

Gene: LAMB1 (laminin subunit beta 1; minus strand). Cytogenetic location: 7q31.1.
Variant type: single nucleotide variant.
Coding change: c.3639C>T on transcript NM_002291.3 (MANE Select); coding-DNA position 3639, C replaced by T.
Protein change: p.Ile1213=; no amino-acid change (isoleucine 1213 retained).
Molecular consequence: synonymous variant.
Genome position (GRCh38, 1-based): chr7:107,940,111, G>A on the plus strand (C>T on the coding strand, the complement: LAMB1 is on the minus strand). VCF-style: chr7-107940111-G-A. GRCh37 (hg19) VCF-style: chr7-107580556-G-A.
Identifiers: ClinVar variation 389770 (VCV000389770.5), dbSNP rs141885441, ClinGen allele CA4435264.
Genomic context (GRCh38, chr7:107,940,111, plus strand): 5'-GATGTCTTTTATCTCGCTGACTTTCCTCTCCACCGAGTCCACAGTCTCACGGTAAGGCCC[G>A]ATCACACCACTGATCTTCAAGGCCTTGGCTTTCTCCAGGAATCTGTGTGTCCTGTTGGTC-3'
Protein context (NP_002282.2, residues 1203-1223): KAKALKISGV[Ile1213=]GPYRETVDSV

ClinVar aggregate classification (germline): Likely benign. Review status: criteria provided, multiple submitters, no conflicts (2 of 4 stars). 2 submissions from 2 submitters: Likely benign (2). Last evaluated 2024-11-01.

Allele frequency attached by ClinVar (database versions not stated): gnomAD exomes 0.00002 and 0.00003; gnomAD 0.00003 and 0.00004; ExAC 0.00004; TOPMed 0.00005; ESP Exome Variant Server 0.00015.
gnomAD v4.1: 42 of 1,613,924 alleles (0.0026%); highest among the groups gnomAD compares: African/African-American, 0.011%; no homozygotes.

Submissions (2):

Labcorp Genetics (formerly Invitae), Labcorp
Classification: Likely benign. Last evaluated: 2024-11-01. Review status: criteria provided, single submitter. Criteria: Invitae Variant Classification Sherloc (09022015). Collection method: clinical testing. Allele origin: germline.

GeneDx
Classification: Likely benign. Last evaluated: 2016-10-06. Review status: criteria provided, single submitter. Criteria: GeneDx Variant Classification (06012015). Collection method: clinical testing. Allele origin: germline. Affected: yes.
Comment: This variant is considered likely benign or benign based on one or more of the following criteria: it is a conservative change, it occurs at a poorly conserved position in the protein, it is predicted to be benign by multiple in silico algorithms, and/or has population frequency not consistent with disease.